The following is an entry in ClinVar:

ClinVar aggregate classification (germline): Uncertain significance (1 of 4 stars; one submission).

Conditions:
Ataxia-telangiectasia syndrome (AT). Also called: Ataxia-telangiectasia, complementation group E; Cerebello-oculocutaneous telangiectasia; Immunodeficiency with ataxia telangiectasia; Ataxia-telangiectasia, complementation group D; AT, COMPLEMENTATION GROUP C; Ataxia-telangiectasia. Identifiers: Orphanet 100, MedGen C0004135, MONDO:0008840, OMIM 208900.

Submission:

Labcorp Genetics (formerly Invitae), Labcorp
Classification: Uncertain significance for Ataxia-telangiectasia syndrome. Last evaluated: 2019-04-10. Review status: criteria provided, single submitter. Criteria: Invitae Variant Classification Sherloc (09022015). Collection method: clinical testing. Allele origin: germline.
Comment: This variant is not present in population databases (ExAC no frequency). This variant has not been reported in the literature in individuals with ATM-related conditions. Algorithms developed to predict the effect of missense changes on protein structure and function are either unavailable or do not agree on the potential impact of this missense change (SIFT: "Deleterious"; PolyPhen-2: "Benign"; Align-GVGD: "Class C15"). In summary, the available evidence is currently insufficient to determine the role of this variant in disease. Therefore, it has been classified as a Variant of Uncertain Significance. This sequence change replaces valine with aspartic acid at codon 27 of the ATM protein (p.Val27Asp). The valine residue is moderately conserved and there is a large physicochemical difference between valine and aspartic acid.

NM_000051.4(ATM):c.80T>A (p.Val27Asp)

Gene: ATM (ATM serine/threonine kinase; plus strand). Cytogenetic location: 11q22.3.
Variant type: single nucleotide variant.
Coding change: c.80T>A on transcript NM_000051.4 (MANE Select); coding-DNA position 80, T replaced by A.
Protein change: p.Val27Asp; replaces valine 27 with aspartic acid.
Molecular consequence: missense variant.
Genome position (GRCh38, 1-based): chr11:108,227,783, T>A. VCF-style: chr11-108227783-T-A. GRCh37 (hg19) VCF-style: chr11-108098510-T-A.
Other names: c.80T>A, p.Val27Asp (NM_001351834.2, NM_001351835.2, NM_001351836.2); short protein forms V27D.
Identifiers: ClinVar variation 851611 (VCV000851611.9), dbSNP rs2078817440, ClinGen allele CA382519507.